The following is an entry in ClinVar:

NM_000297.4(PKD2):c.1003del (p.Gln335fs)

Gene: PKD2 (polycystin 2, transient receptor potential cation channel; plus strand). Cytogenetic location: 4q22.1.
Variant type: Deletion.
Coding change: c.1003del on transcript NM_000297.4 (MANE Select); coding-DNA position 1003, one base deleted (C; older notation c.1003delC).
Protein change: p.Gln335fs; shifts the reading frame from glutamine 335.
Molecular consequence: frameshift variant. On other transcripts: non-coding transcript variant (1).
Genome position (GRCh38, 1-based): chr4:88,038,410, C deleted; the last of 5 consecutive C bases (chr4:88,038,406-88,038,410); deleting any one gives the same sequence. VCF-style (leftmost placement, unchanged base first): chr4-88038405-TC-T. GRCh37 (hg19) VCF-style: chr4-88959557-TC-T.
Other names: short protein forms Q335fs.
Identifiers: ClinVar variation 3372874 (VCV003372874.2).

ClinVar aggregate classification (germline): Pathogenic (1 of 4 stars; one submission).

Submission:

GeneDx
Classification: Pathogenic. Last evaluated: 2025-03-30. Review status: criteria provided, single submitter. Criteria: GeneDx Variant Classification Process June 2021. Collection method: clinical testing. Allele origin: germline. Affected: yes.
Comment: Frameshift variant predicted to result in protein truncation or nonsense mediated decay in a gene for which loss of function is a known mechanism of disease; Not observed at significant frequency in large population cohorts (gnomAD); Has not been previously published as pathogenic or benign to our knowledge